The following is an entry in ClinVar:

ClinVar aggregate classification (germline): Likely benign (1 of 4 stars; one submission).

Submission:

CeGaT Center for Human Genetics Tuebingen
Classification: Likely benign. Last evaluated: 2025-06-01. Review status: criteria provided, single submitter. Criteria: CeGaT Center For Human Genetics Tuebingen Variant Classification Criteria Version 2. Collection method: clinical testing. Allele origin: germline. Affected: yes. Observed: 1 variant allele.
Comment: BRCA2: PM2:Supporting, BP4, BP7

NM_000059.4(BRCA2):c.6726T>C (p.Asp2242=)

Gene: BRCA2 (BRCA2 DNA repair associated; plus strand). Cytogenetic location: 13q13.1.
Variant type: single nucleotide variant.
Coding change: c.6726T>C on transcript NM_000059.4 (MANE Select); coding-DNA position 6726, T replaced by C.
Protein change: p.Asp2242=; no amino-acid change (aspartic acid 2242 retained).
Molecular consequence: synonymous variant. On other transcripts: non-coding transcript variant (1), intron variant (2).
Genome position (GRCh38, 1-based): chr13:32,341,081, T>C. VCF-style: chr13-32341081-T-C. GRCh37 (hg19) VCF-style: chr13-32915218-T-C.
Other names: c.6726T>C, p.Asp2242= (NM_001406719.1, NM_001406720.1, NM_001432077.1); c.1910-3477T>C (NM_001406721.1); c.425-3477T>C (NM_001406722.1).
Identifiers: ClinVar variation 4085318 (VCV004085318.8).
Genomic context (GRCh38, chr13:32,341,081, plus strand): 5'-CTTTGAAACAGAAGCAGTAGAAATTGCTAAAGCTTTTATGGAAGATGATGAACTGACAGA[T>C]TCTAAACTGCCAAGTCATGCCACACATTCTCTTTTTACATGTCCCGAAAATGAGGAAATG-3'
Protein context (NP_000050.3, residues 2232-2252): KAFMEDDELT[Asp2242=]SKLPSHATHS